The following is an entry in ClinVar:

NM_001278116.2(L1CAM):c.3531-9T>A

Gene: L1CAM (L1 cell adhesion molecule; minus strand). Cytogenetic location: Xq28.
Variant type: single nucleotide variant.
Coding change: c.3531-9T>A on transcript NM_001278116.2 (MANE Select); 9 bases into the intron before coding-DNA position 3531, T replaced by A.
Molecular consequence: intron variant.
Genome position (GRCh38, 1-based): chrX:153,863,388, A>T on the plus strand (T>A on the coding strand, the complement: L1CAM is on the minus strand). VCF-style: chrX-153863388-A-T. GRCh37 (hg19) VCF-style: chrX-153128843-A-T.
Other names: c.3515+89T>A (NM_001143963.2); c.3530+89T>A (NM_024003.3); c.3531-9T>A (NM_000425.5).
Identifiers: ClinVar variation 3389799 (VCV003389799.14).

ClinVar aggregate classification (germline): Uncertain significance (1 of 4 stars; one submission).

Submission:

CeGaT Center for Human Genetics Tuebingen
Classification: Uncertain significance. Last evaluated: 2024-10-01. Review status: criteria provided, single submitter. Criteria: CeGaT Center For Human Genetics Tuebingen Variant Classification Criteria Version 2. Collection method: clinical testing. Allele origin: germline. Affected: yes. Observed: 1 variant allele.
Comment: L1CAM: PM2